The following is an entry in ClinVar:

NM_002691.4(POLD1):c.1226G>C (p.Arg409Pro)

Gene: POLD1 (DNA polymerase delta 1, catalytic subunit; plus strand). Cytogenetic location: 19q13.33.
Variant type: single nucleotide variant.
Coding change: c.1226G>C on transcript NM_002691.4 (MANE Select); coding-DNA position 1226, G replaced by C.
Protein change: p.Arg409Pro; replaces arginine 409 with proline.
Molecular consequence: missense variant. On other transcripts: non-coding transcript variant (1).
Genome position (GRCh38, 1-based): chr19:50,403,581, G>C. VCF-style: chr19-50403581-G-C. GRCh37 (hg19) VCF-style: chr19-50906838-G-C.
Other names: c.1226G>C, p.Arg409Pro (NM_001256849.1, NM_001308632.1); short protein forms R409P.
Identifiers: ClinVar variation 578908 (VCV000578908.13), dbSNP rs749611798, ClinGen allele CA406978618.

ClinVar aggregate classification (germline): Uncertain significance. Review status: criteria provided, multiple submitters, no conflicts (2 of 4 stars). 3 submissions from 3 submitters: Uncertain significance (3). Last evaluated 2025-02-07.

Conditions:
POLD1-related polyposis and colorectal cancer syndrome (CRCS10). Also called: Colorectal cancer 10; COLORECTAL CANCER, SUSCEPTIBILITY TO, ON CHROMOSOME 19q; Colorectal cancer, susceptibility to, 10. Identifiers: Orphanet 220460, MedGen C2675481, MONDO:0012953, OMIM 612591.
Hereditary cancer-predisposing syndrome. Also called: Tumor predisposition; Neoplastic Syndromes, Hereditary; Hereditary Cancer Syndrome; Hereditary neoplastic syndrome. Identifiers: Orphanet 140162, MedGen C0027672, MeSH D009386, MONDO:0015356.

Allele frequency attached by ClinVar (database versions not stated): TOPMed 0.00001.
gnomAD v4.1: 1 of 1,612,192 alleles (0.000062%); highest among the groups gnomAD compares: Non-Finnish European, 0.000085%; no homozygotes.

Submissions (3):

Ambry Genetics
Classification: Uncertain significance for Hereditary cancer-predisposing syndrome. Last evaluated: 2025-02-07. Review status: criteria provided, single submitter. Criteria: Ambry Variant Classification Scheme 2023. Collection method: clinical testing. Allele origin: germline.
Comment: The p.R409P variant (also known as c.1226G>C), located in coding exon 9 of the POLD1 gene, results from a G to C substitution at nucleotide position 1226. The arginine at codon 409 is replaced by proline, an amino acid with dissimilar properties. This amino acid position is highly conserved in available vertebrate species. In addition, this alteration is predicted to be deleterious by in silico analysis. Based on the available evidence, the clinical significance of this variant remains unclear.

Labcorp Genetics (formerly Invitae), Labcorp
Classification: Uncertain significance for POLD1-related polyposis and colorectal cancer syndrome. Last evaluated: 2023-11-10. Review status: criteria provided, single submitter. Criteria: Invitae Variant Classification Sherloc (09022015). Collection method: clinical testing. Allele origin: germline.
Comment: This sequence change replaces arginine, which is basic and polar, with proline, which is neutral and non-polar, at codon 409 of the POLD1 protein (p.Arg409Pro). This variant is not present in population databases (gnomAD no frequency). This variant has not been reported in the literature in individuals affected with POLD1-related conditions. ClinVar contains an entry for this variant (Variation ID: 578908). Advanced modeling of protein sequence and biophysical properties (such as structural, functional, and spatial information, amino acid conservation, physicochemical variation, residue mobility, and thermodynamic stability) performed at Invitae indicates that this missense variant is expected to disrupt POLD1 protein function with a positive predictive value of 80%. In summary, the available evidence is currently insufficient to determine the role of this variant in disease. Therefore, it has been classified as a Variant of Uncertain Significance.

Women's Health and Genetics/Laboratory Corporation of America, LabCorp
Classification: Uncertain significance. Last evaluated: 2023-09-17. Review status: criteria provided, single submitter. Criteria: LabCorp Variant Classification Summary - May 2015. Collection method: clinical testing. Allele origin: germline.